The following is an entry in ClinVar:

ClinVar aggregate classification (germline): Likely pathogenic (1 of 4 stars; one submission).

Conditions:
Distal arthrogryposis type 5D (DA5D). Identifiers: Orphanet 329457, MedGen C3554415, MONDO:0014028, OMIM 615065.

Submission:

Juno Genomics, Hangzhou Juno Genomics, Inc
Classification: Likely pathogenic for Distal arthrogryposis type 5D. Review status: criteria provided, single submitter. Criteria: ACMG Guidelines, 2015. Collection method: clinical testing. Allele origin: germline.
Comment: Null variant in a gene where loss of function (LOF) is a known mechanism of disease.;Absent from controls (or at extremely low frequency if recessive) in Genome Aggregation Database.

NM_004826.4(ECEL1):c.1797-2A>C

Gene: ECEL1 (endothelin converting enzyme like 1; minus strand). Cytogenetic location: 2q37.1.
Variant type: single nucleotide variant.
Coding change: c.1797-2A>C on transcript NM_004826.4 (MANE Select); the canonical splice acceptor site of the intron before coding-DNA position 1797, A replaced by C.
Molecular consequence: splice acceptor variant.
Genome position (GRCh38, 1-based): chr2:232,481,851, T>G on the plus strand (A>C on the coding strand, the complement: ECEL1 is on the minus strand). VCF-style: chr2-232481851-T-G. GRCh37 (hg19) VCF-style: chr2-233346561-T-G.
Other names: c.1791-2A>C (NM_001290787.2).
Identifiers: ClinVar variation 5006246 (VCV005006246.2).